The following is an entry in ClinVar:

NM_016169.4(SUFU):c.715C>T (p.Arg239Trp)

Gene: SUFU (SUFU negative regulator of hedgehog signaling; plus strand). Cytogenetic location: 10q24.32.
Variant type: single nucleotide variant.
Coding change: c.715C>T on transcript NM_016169.4 (MANE Select); coding-DNA position 715, C replaced by T.
Protein change: p.Arg239Trp; replaces arginine 239 with tryptophan.
Molecular consequence: missense variant.
Genome position (GRCh38, 1-based): chr10:102,594,024, C>T. VCF-style: chr10-102594024-C-T. GRCh37 (hg19) VCF-style: chr10-104353781-C-T.
Other names: c.715C>T, p.Arg239Trp (NM_001178133.2); short protein forms R239W.
Identifiers: ClinVar variation 949811 (VCV000949811.10), dbSNP rs369465986, ClinGen allele CA377909808.

ClinVar aggregate classification (germline): Uncertain significance (1 of 4 stars; one submission).

Conditions:
Gorlin syndrome. Also called: Basal cell nevus syndrome; Nevoid Basal Cell Carcinoma Syndrome. Identifiers: Orphanet 377, MedGen C0004779, MONDO:0007187.
Medulloblastoma (MDB). Also called: MEDULLOBLASTOMA PREDISPOSITION SYNDROME; Medulloblastoma, somatic. Identifiers: Orphanet 616, MedGen C0025149, MeSH D008527, MONDO:0007959, OMIM 155255, HP:0002885.

gnomAD v4.1: 2 of 1,614,104 alleles (0.00012%); highest among the groups gnomAD compares: South Asian, 0.0011%; no homozygotes.

Submission:

Labcorp Genetics (formerly Invitae), Labcorp
Classification: Uncertain significance for Gorlin syndrome; Medulloblastoma. Last evaluated: 2022-10-29. Review status: criteria provided, single submitter. Criteria: Invitae Variant Classification Sherloc (09022015). Collection method: clinical testing. Allele origin: germline.
Comment: In summary, the available evidence is currently insufficient to determine the role of this variant in disease. Therefore, it has been classified as a Variant of Uncertain Significance. Advanced modeling of protein sequence and biophysical properties (such as structural, functional, and spatial information, amino acid conservation, physicochemical variation, residue mobility, and thermodynamic stability) performed at Invitae indicates that this missense variant is not expected to disrupt SUFU protein function. ClinVar contains an entry for this variant (Variation ID: 949811). This variant has not been reported in the literature in individuals affected with SUFU-related conditions. This variant is present in population databases (no rsID available, gnomAD 0.004%). This sequence change replaces arginine, which is basic and polar, with tryptophan, which is neutral and slightly polar, at codon 239 of the SUFU protein (p.Arg239Trp).